The following is an entry in ClinVar:

ClinVar aggregate classification (germline): Benign/Likely benign. Review status: criteria provided, multiple submitters, no conflicts (2 of 4 stars). 6 submissions from 6 submitters: Benign (5); Likely benign (1). Last evaluated 2026-02-03.

Allele frequency attached by ClinVar (database versions not stated): gnomAD exomes 0.00147 and 0.00393; ExAC 0.00418; ESP Exome Variant Server 0.00844; gnomAD 0.00914 and 0.00946; TOPMed 0.01061; 1000 Genomes Project 0.01278; 1000 Genomes Project 30x 0.01327.
gnomAD v4.1: 3,696 of 1,611,732 alleles (0.23%); highest among the groups gnomAD compares: African/African-American, 2.7%; 34 homozygotes.

Submissions (6):

Labcorp Genetics (formerly Invitae), Labcorp
Classification: Benign. Last evaluated: 2026-02-03. Review status: criteria provided, single submitter. Criteria: Invitae Variant Classification Sherloc (09022015). Collection method: clinical testing. Allele origin: germline.

Blueprint Genetics
Classification: Likely benign. Last evaluated: 2024-11-27. Review status: criteria provided, single submitter. Criteria: ACMG Guidelines, 2015. Collection method: clinical testing. Allele origin: germline.

Athena Diagnostics
Classification: Benign. Last evaluated: 2019-10-28. Review status: criteria provided, single submitter. Criteria: Athena Diagnostics Criteria. Collection method: clinical testing. Allele origin: unknown.

GeneDx
Classification: Benign. Last evaluated: 2019-05-16. Review status: criteria provided, single submitter. Criteria: GeneDx Variant Classification Process June 2021. Collection method: clinical testing. Allele origin: germline. Affected: yes.

Laboratory for Molecular Medicine, Mass General Brigham Personalized Medicine
Classification: Benign. Last evaluated: 2014-11-24. Review status: criteria provided, single submitter. Criteria: LMM Criteria. Collection method: clinical testing. Allele origin: germline. Observed: 8 variant alleles.
Comment: Cys1857Cys in exon 46 of OTOGL: This variant is not expected to have clinical si gnificance because it does not alter an amino acid residue and is not located wi thin the splice consensus sequence. It has been identified in 2.4% (92/3756) of African American chromosomes from a broad population by the NHLBI Exome Sequenci ng Project (dbSNP rs61734095).

Breakthrough Genomics
Classification: Benign. Review status: criteria provided, single submitter. Criteria: ACMG Guidelines, 2015. Collection method: not provided. Allele origin: germline. Inheritance: Autosomal recessive inheritance. Affected: yes.

NM_001378609.3(OTOGL):c.5598C>T (p.Cys1866=)

Gene: OTOGL (otogelin like; plus strand). Cytogenetic location: 12q21.31.
Variant type: single nucleotide variant.
Coding change: c.5598C>T on transcript NM_001378609.3 (MANE Select); coding-DNA position 5598, C replaced by T.
Protein change: p.Cys1866=; no amino-acid change (cysteine 1866 retained).
Molecular consequence: synonymous variant.
Genome position (GRCh38, 1-based): chr12:80,355,740, C>T. VCF-style: chr12-80355740-C-T. GRCh37 (hg19) VCF-style: chr12-80749520-C-T.
Other names: c.5463C>T, p.Cys1821= (NM_001368062.3); c.5598C>T, p.Cys1866= (NM_001378610.3, NM_173591.7).
Identifiers: ClinVar variation 226958 (VCV000226958.19), dbSNP rs61734095, ClinGen allele CA6701762.